The following is an entry in ClinVar:

ClinVar aggregate classification (germline): Uncertain significance. Review status: criteria provided, multiple submitters, no conflicts (2 of 4 stars). 2 submissions from 2 submitters: Uncertain significance (2). Last evaluated 2026-02-13.

Conditions:
Multiple endocrine neoplasia, type 2 (MEN2). Identifiers: Orphanet 653, MedGen C4048306, MONDO:0019003. Disease mechanism: gain of function.
Hereditary cancer-predisposing syndrome. Also called: Hereditary neoplastic syndrome; Tumor predisposition; Neoplastic Syndromes, Hereditary; Hereditary Cancer Syndrome. Identifiers: Orphanet 140162, MedGen C0027672, MeSH D009386, MONDO:0015356.

Submissions (2):

Ambry Genetics
Classification: Uncertain significance for Hereditary cancer-predisposing syndrome. Last evaluated: 2026-02-13. Review status: criteria provided, single submitter. Criteria: Ambry Variant Classification Scheme 2023. Collection method: clinical testing. Allele origin: germline.
Comment: The p.C515Y variant (also known as c.1544G>A), located in coding exon 8 of the RET gene, results from a G to A substitution at nucleotide position 1544. The cysteine at codon 515 is replaced by tyrosine, an amino acid with highly dissimilar properties. This amino acid position is highly conserved in available vertebrate species. In addition, this alteration is predicted to be deleterious by in silico analysis. Based on the available evidence, the clinical significance of this variant remains unclear.

All of Us Research Program, National Institutes of Health
Classification: Uncertain significance for Multiple endocrine neoplasia, type 2. Last evaluated: 2024-03-05. Review status: criteria provided, single submitter. Criteria: ACMG Guidelines, 2015. Collection method: clinical testing. Allele origin: germline. Inheritance: Autosomal dominant inheritance. Observed: 1 variant allele, 1 heterozygote.
Comment: This study involves interpretation of variants in research participants for the purpose of population health screening. Participant phenotype was not available at the time of variant classification. Additional details can be found in publication PMID: 35346344, PMCID: PMC8962531

NM_020975.6(RET):c.1544G>A (p.Cys515Tyr)

Gene: RET (ret proto-oncogene; plus strand). Cytogenetic location: 10q11.21.
Variant type: single nucleotide variant.
Coding change: c.1544G>A on transcript NM_020975.6 (MANE Select); coding-DNA position 1544, G replaced by A.
Protein change: p.Cys515Tyr; replaces cysteine 515 with tyrosine.
Molecular consequence: missense variant.
Genome position (GRCh38, 1-based): chr10:43,112,120, G>A. VCF-style: chr10-43112120-G-A. GRCh37 (hg19) VCF-style: chr10-43607568-G-A.
Other names: c.782G>A, p.Cys261Tyr (NM_001355216.2); c.1544G>A, p.Cys515Tyr (NM_001406743.1, NM_001406744.1, NM_001406759.1 and 4 more transcripts); c.1415G>A, p.Cys472Tyr (NM_001406761.1, NM_001406762.1, NM_001406764.1 and 1 more transcripts); c.818G>A, p.Cys273Tyr (NM_001406775.1, NM_001406776.1, NM_001406777.1 and 1 more transcripts); c.647G>A, p.Cys216Tyr (NM_001406779.1, NM_001406780.1, NM_001406781.1 and 3 more transcripts); c.518G>A, p.Cys173Tyr (NM_001406783.1, NM_001406786.1); c.95G>A, p.Cys32Tyr (NM_001406794.1, NM_001406792.1, NM_001406793.1); c.1256G>A, p.Cys419Tyr (NM_001406766.1, NM_001406767.1, NM_001406770.1); and 5 more; short protein forms C120Y, C173Y, C185Y, C216Y, C261Y, C273Y, C32Y, C340Y.
Identifiers: ClinVar variation 3387592 (VCV003387592.2).